The following is an entry in ClinVar:

NM_000843.4(GRM6):c.2402C>T (p.Pro801Leu)

Genes: GRM6 (glutamate metabotropic receptor 6; minus strand), ZNF454 (zinc finger protein 454; plus strand). Cytogenetic location: 5q35.3.
Variant type: single nucleotide variant.
Coding change: c.2402C>T on transcript NM_000843.4 (MANE Select); coding-DNA position 2402, C replaced by T.
Protein change: p.Pro801Leu; replaces proline 801 with leucine.
Molecular consequence: missense variant.
Genome position (GRCh38, 1-based): chr5:178,982,944, G>A on the plus strand (C>T on the coding strand, the complement: GRM6 is on the minus strand). VCF-style: chr5-178982944-G-A. GRCh37 (hg19) VCF-style: chr5-178409945-G-A.
Other names: short protein forms P801L.
Identifiers: ClinVar variation 1492261 (VCV001492261.6), dbSNP rs1174592722, ClinGen allele CA362424160.

ClinVar aggregate classification (germline): Uncertain significance (1 of 4 stars; one submission).

Allele frequency attached by ClinVar (database versions not stated): gnomAD 0.00001.
gnomAD v4.1: 2 of 1,614,048 alleles (0.00012%); highest among the groups gnomAD compares: African/African-American, 0.0027%; no homozygotes.

Submission:

Labcorp Genetics (formerly Invitae), Labcorp
Classification: Uncertain significance. Last evaluated: 2021-12-03. Review status: criteria provided, single submitter. Criteria: Invitae Variant Classification Sherloc (09022015). Collection method: clinical testing. Allele origin: germline.
Comment: This sequence change replaces proline, which is neutral and non-polar, with leucine, which is neutral and non-polar, at codon 801 of the GRM6 protein (p.Pro801Leu). In summary, the available evidence is currently insufficient to determine the role of this variant in disease. Therefore, it has been classified as a Variant of Uncertain Significance. Advanced modeling of protein sequence and biophysical properties (such as structural, functional, and spatial information, amino acid conservation, physicochemical variation, residue mobility, and thermodynamic stability) performed at Invitae indicates that this missense variant is expected to disrupt GRM6 protein function. This variant has not been reported in the literature in individuals affected with GRM6-related conditions. This variant is present in population databases (no rsID available, gnomAD 0.01%).